The following is an entry in ClinVar:

ClinVar aggregate classification (germline): Uncertain significance. Review status: criteria provided, multiple submitters, no conflicts (2 of 4 stars). 2 submissions from 2 submitters: Uncertain significance (2). Last evaluated 2024-06-14.

Conditions:
Ataxia-telangiectasia syndrome (AT). Also called: LOUIS-BAR SYNDROME; Ataxia-telangiectasia, complementation group D; ATAXIA-TELANGIECTASIA, COMPLEMENTATION GROUP A; ATAXIA-TELANGIECTASIA, FRESNO VARIANT; Ataxia-telangiectasia; Ataxia telangiectasia (A-T). Identifiers: Orphanet 100, MedGen C0004135, MONDO:0008840, OMIM 208900.
Hereditary cancer-predisposing syndrome. Also called: Neoplastic Syndromes, Hereditary; Tumor predisposition; Hereditary Cancer Syndrome; Hereditary neoplastic syndrome. Identifiers: Orphanet 140162, MedGen C0027672, MeSH D009386, MONDO:0015356.

Submissions (2):

Ambry Genetics
Classification: Uncertain significance for Hereditary cancer-predisposing syndrome. Last evaluated: 2024-06-14. Review status: criteria provided, single submitter. Criteria: Ambry Variant Classification Scheme 2023. Collection method: clinical testing. Allele origin: germline.
Comment: The p.D1099E variant (also known as c.3297C>G), located in coding exon 22 of the ATM gene, results from a C to G substitution at nucleotide position 3297. The aspartic acid at codon 1099 is replaced by glutamic acid, an amino acid with highly similar properties. This amino acid position is conserved. In addition, this alteration is predicted to be tolerated by in silico analysis. Based on the available evidence, the clinical significance of this variant remains unclear.

Labcorp Genetics (formerly Invitae), Labcorp
Classification: Uncertain significance for Ataxia-telangiectasia syndrome. Last evaluated: 2023-01-28. Review status: criteria provided, single submitter. Criteria: Invitae Variant Classification Sherloc (09022015). Collection method: clinical testing. Allele origin: germline.
Comment: This sequence change replaces aspartic acid, which is acidic and polar, with glutamic acid, which is acidic and polar, at codon 1099 of the ATM protein (p.Asp1099Glu). This variant is not present in population databases (gnomAD no frequency). This variant has not been reported in the literature in individuals affected with ATM-related conditions. Algorithms developed to predict the effect of missense changes on protein structure and function (SIFT, PolyPhen-2, Align-GVGD) all suggest that this variant is likely to be tolerated. In summary, the available evidence is currently insufficient to determine the role of this variant in disease. Therefore, it has been classified as a Variant of Uncertain Significance.

NM_000051.4(ATM):c.3297C>G (p.Asp1099Glu)

Gene: ATM (ATM serine/threonine kinase; plus strand). Cytogenetic location: 11q22.3.
Variant type: single nucleotide variant.
Coding change: c.3297C>G on transcript NM_000051.4 (MANE Select); coding-DNA position 3297, C replaced by G.
Protein change: p.Asp1099Glu; replaces aspartic acid 1099 with glutamic acid.
Molecular consequence: missense variant.
Genome position (GRCh38, 1-based): chr11:108,279,503, C>G. VCF-style: chr11-108279503-C-G. GRCh37 (hg19) VCF-style: chr11-108150230-C-G.
Other names: c.3297C>G, p.Asp1099Glu (NM_001351834.2); short protein forms D1099E.
Identifiers: ClinVar variation 2832448 (VCV002832448.4), dbSNP rs2135642599, ClinGen allele CA382517318.